The following is an entry in ClinVar:

NM_001378120.1(MBD5):c.4447C>A (p.Pro1483Thr)

Gene: MBD5 (methyl-CpG binding domain protein 5; plus strand). Cytogenetic location: 2q23.1.
Variant type: single nucleotide variant.
Coding change: c.4447C>A on transcript NM_001378120.1 (MANE Select); coding-DNA position 4447, C replaced by A.
Protein change: p.Pro1483Thr; replaces proline 1483 with threonine.
Molecular consequence: missense variant.
Genome position (GRCh38, 1-based): chr2:148,490,079, C>A. VCF-style: chr2-148490079-C-A. GRCh37 (hg19) VCF-style: chr2-149247648-C-A.
Other names: c.3748C>A (NM_018328.4); c.3748C>A, p.Pro1250Thr (NM_018328.5); short protein forms P1250T, P1483T.
Identifiers: ClinVar variation 1419634 (VCV001419634.9), dbSNP rs142913108, ClinGen allele CA1900426.
Genomic context (GRCh38, chr2:148,490,079, plus strand): 5'-AGGCCCAACAATGTCTCTACACTGCCATTTCTGCCTGGGGAACAGCACCCAATACTGTTA[C>A]CACCAAGAAACTGTCCAGGGGATAAAATTCTAGAGGAAAATTTCAGGTATAATAACTACA-3'
Protein context (NP_001365049.1, residues 1473-1493): LPGEQHPILL[Pro1483Thr]PRNCPGDKIL

ClinVar aggregate classification (germline): Conflicting classifications of pathogenicity. Review status: criteria provided, conflicting classifications (1 of 4 stars). 2 submissions from 2 submitters: Uncertain significance (1); Likely benign (1). Last evaluated 2025-12-02.

Conditions:
Intellectual developmental disorder, autosomal dominant 1. Also called: Intellectual disability, autosomal dominant 1; MBD5 Haploinsufficiency. Identifiers: Orphanet 228402, MedGen C1969562, MONDO:0007974, OMIM 156200.
Inborn genetic diseases. Identifiers: MedGen C0950123, MeSH D030342.

Allele frequency attached by ClinVar (database versions not stated): TOPMed below 0.00001; ExAC 0.00001; gnomAD exomes 0.00001; ESP Exome Variant Server 0.00008.
gnomAD v4.1: 20 of 1,613,928 alleles (0.0012%); highest among the groups gnomAD compares: East Asian, 0.0022%; no homozygotes.

Submissions (2):

Labcorp Genetics (formerly Invitae), Labcorp
Classification: Uncertain significance for Intellectual developmental disorder, autosomal dominant 1. Last evaluated: 2025-12-02. Review status: criteria provided, single submitter. Criteria: Invitae Variant Classification Sherloc (09022015). Collection method: clinical testing. Allele origin: germline.
Comment: This sequence change replaces proline, which is neutral and non-polar, with threonine, which is neutral and polar, at codon 1250 of the MBD5 protein (p.Pro1250Thr). This variant is present in population databases (rs142913108, gnomAD 0.004%). This missense change has been observed in individual(s) with clinical features of MBD5-related disease (internal data). ClinVar contains an entry for this variant (Variation ID: 1419634). Experimental studies and prediction algorithms are not available or were not evaluated, and the functional significance of this variant is currently unknown. In summary, the available evidence is currently insufficient to determine the role of this variant in disease. Therefore, it has been classified as a Variant of Uncertain Significance.

Ambry Genetics
Classification: Likely benign for Inborn genetic diseases. Last evaluated: 2023-02-14. Review status: criteria provided, single submitter. Criteria: Ambry Variant Classification Scheme 2023. Collection method: clinical testing. Allele origin: germline.